The following is an entry in ClinVar:

NM_000718.4(CACNA1B):c.3818_3821del (p.Asp1273fs)

Gene: CACNA1B (calcium voltage-gated channel subunit alpha1 B; plus strand). Cytogenetic location: 9q34.3.
Variant type: Deletion.
Coding change: c.3818_3821del on transcript NM_000718.4 (MANE Select); coding-DNA positions 3818 to 3821, 4 bases deleted (ACTG; older notation c.3818_3821delACTG).
Protein change: p.Asp1273fs; shifts the reading frame from aspartic acid 1273.
Molecular consequence: frameshift variant.
Genome position (GRCh38, 1-based): chr9:138,053,856-138,053,859, ACTG deleted; deleting any 4 consecutive bases within chr9:138,053,854-138,053,859 gives the same sequence; the c. name uses the placement nearest the transcript's 3' end. VCF-style (leftmost placement, unchanged base first): chr9-138053853-TTGAC-T. GRCh37 (hg19) VCF-style: chr9-140948305-TTGAC-T.
Other names: c.3818_3821del, p.Asp1273fs (NM_001243812.2); short protein forms D1273fs.
Identifiers: ClinVar variation 3655977 (VCV003655977.2).

ClinVar aggregate classification (germline): Pathogenic (1 of 4 stars; one submission).

Submission:

Labcorp Genetics (formerly Invitae), Labcorp
Classification: Pathogenic. Last evaluated: 2024-06-09. Review status: criteria provided, single submitter. Criteria: Invitae Variant Classification Sherloc (09022015). Collection method: clinical testing. Allele origin: germline.
Comment: This sequence change creates a premature translational stop signal (p.Asp1273Valfs*3) in the CACNA1B gene. It is expected to result in an absent or disrupted protein product. Loss-of-function variants in CACNA1B are known to be pathogenic (PMID: 30982612). This variant is not present in population databases (gnomAD no frequency). This variant has not been reported in the literature in individuals affected with CACNA1B-related conditions. For these reasons, this variant has been classified as Pathogenic.

Literature cited by the submitters: PubMed 30982612.